The following is an entry in ClinVar:

NM_000562.3(C8A):c.479C>T (p.Thr160Ile)

Gene: C8A (complement C8 alpha chain; plus strand). Cytogenetic location: 1p32.2.
Variant type: single nucleotide variant.
Coding change: c.479C>T on transcript NM_000562.3 (MANE Select); coding-DNA position 479, C replaced by T.
Protein change: p.Thr160Ile; replaces threonine 160 with isoleucine.
Molecular consequence: missense variant.
Genome position (GRCh38, 1-based): chr1:56,881,459, C>T. VCF-style: chr1-56881459-C-T. GRCh37 (hg19) VCF-style: chr1-57347132-C-T.
Other names: short protein forms T160I.
Identifiers: ClinVar variation 2117065 (VCV002117065.4), dbSNP rs1346687933, ClinGen allele CA340514445.

ClinVar aggregate classification (germline): Uncertain significance (1 of 4 stars; one submission).

Submission:

Labcorp Genetics (formerly Invitae), Labcorp
Classification: Uncertain significance. Last evaluated: 2022-03-26. Review status: criteria provided, single submitter. Criteria: Invitae Variant Classification Sherloc (09022015). Collection method: clinical testing. Allele origin: germline.
Comment: In summary, the available evidence is currently insufficient to determine the role of this variant in disease. Therefore, it has been classified as a Variant of Uncertain Significance. Algorithms developed to predict the effect of missense changes on protein structure and function are either unavailable or do not agree on the potential impact of this missense change (SIFT: "Deleterious"; PolyPhen-2: "Benign"; Align-GVGD: "Class C65"). This variant has not been reported in the literature in individuals affected with C8A-related conditions. This variant is not present in population databases (gnomAD no frequency). This sequence change replaces threonine, which is neutral and polar, with isoleucine, which is neutral and non-polar, at codon 160 of the C8A protein (p.Thr160Ile).